The following is an entry in ClinVar:

ClinVar aggregate classification (germline): Uncertain significance (1 of 4 stars; one submission).

Submission:

Labcorp Genetics (formerly Invitae), Labcorp
Classification: Uncertain significance. Last evaluated: 2025-09-14. Review status: criteria provided, single submitter. Criteria: Invitae Variant Classification Sherloc (09022015). Collection method: clinical testing. Allele origin: germline.
Comment: This sequence change replaces aspartic acid, which is acidic and polar, with alanine, which is neutral and non-polar, at codon 805 of the AASS protein (p.Asp805Ala). This variant is not present in population databases (gnomAD no frequency). This variant has not been reported in the literature in individuals affected with AASS-related conditions. Invitae Evidence Modeling of protein sequence and biophysical properties (such as structural, functional, and spatial information, amino acid conservation, physicochemical variation, residue mobility, and thermodynamic stability) indicates that this missense variant is not expected to disrupt AASS protein function with a negative predictive value of 80%. In summary, the available evidence is currently insufficient to determine the role of this variant in disease. Therefore, it has been classified as a Variant of Uncertain Significance.

NM_005763.4(AASS):c.2414A>C (p.Asp805Ala)

Gene: AASS (aminoadipate-semialdehyde synthase; minus strand). Cytogenetic location: 7q31.32.
Variant type: single nucleotide variant.
Coding change: c.2414A>C on transcript NM_005763.4 (MANE Select); coding-DNA position 2414, A replaced by C.
Protein change: p.Asp805Ala; replaces aspartic acid 805 with alanine.
Molecular consequence: missense variant.
Genome position (GRCh38, 1-based): chr7:122,078,933, T>G on the plus strand (A>C on the coding strand, the complement: AASS is on the minus strand). VCF-style: chr7-122078933-T-G. GRCh37 (hg19) VCF-style: chr7-121718987-T-G.
Other names: short protein forms D805A.
Identifiers: ClinVar variation 4717155 (VCV004717155.1).